The following is an entry in ClinVar:

NM_001254.4(CDC6):c.*653C>A

Gene: CDC6 (cell division cycle 6; plus strand). Cytogenetic location: 17q21.2.
Variant type: single nucleotide variant.
Coding change: c.*653C>A on transcript NM_001254.4 (MANE Select); 653 bases downstream of the stop codon, C replaced by A.
Molecular consequence: 3 prime UTR variant.
Genome position (GRCh38, 1-based): chr17:40,302,654, C>A. VCF-style: chr17-40302654-C-A. GRCh37 (hg19) VCF-style: chr17-38458906-C-A.
Identifiers: ClinVar variation 323067 (VCV000323067.6), dbSNP rs4135033, ClinGen allele CA10650071.

ClinVar aggregate classification (germline): Likely benign. Review status: criteria provided, multiple submitters, no conflicts (2 of 4 stars). 2 submissions from 2 submitters: Likely benign (2). Last evaluated 2018-01-13.

Conditions:
Meier-Gorlin syndrome 5 (MGORS5). Identifiers: Orphanet 2554, MedGen C3151126, MONDO:0013432, OMIM 613805.

Allele frequency attached by ClinVar (database versions not stated): gnomAD 0.00040 and 0.00059; TOPMed 0.00077; 1000 Genomes Project 0.00280; 1000 Genomes Project 30x 0.00312.

Submissions (2):

Illumina Laboratory Services, Illumina
Classification: Likely benign for Meier-Gorlin syndrome 5. Last evaluated: 2018-01-13. Review status: criteria provided, single submitter. Criteria: ICSL Variant Classification Criteria 13 December 2019. Collection method: clinical testing. Allele origin: germline.
Comment: This variant was observed in the ICSL laboratory as part of a predisposition screen in an ostensibly healthy population. It had not been previously curated by ICSL or reported in the Human Gene Mutation Database (HGMD: prior to June 1st, 2018), and was therefore a candidate for classification through an automated scoring system. Utilizing variant allele frequency, disease prevalence and penetrance estimates, and inheritance mode, an automated score was calculated to assess if this variant is too frequent to cause the disease. Based on the score and internal cut-off values, a variant classified as likely benign is not then subjected to further curation. The score for this variant resulted in a classification of likely benign for this disease.

Breakthrough Genomics
Classification: Likely benign. Review status: criteria provided, single submitter. Criteria: ACMG Guidelines, 2015. Collection method: not provided. Allele origin: germline. Inheritance: Autosomal recessive inheritance. Affected: yes.